The following is an entry in ClinVar:

ClinVar aggregate classification (germline): Likely benign (1 of 4 stars; one submission).

gnomAD v4.1: 18 of 1,613,950 alleles (0.0011%); highest among the groups gnomAD compares: Admixed American, 0.0017%; no homozygotes.

Submissions (2):

CeGaT Center for Human Genetics Tuebingen
Classification: Likely benign. Last evaluated: 2025-08-01. Review status: criteria provided, single submitter. Criteria: CeGaT Center For Human Genetics Tuebingen Variant Classification Criteria Version 2. Collection method: clinical testing. Allele origin: germline. Affected: yes. Observed: 1 variant allele.
Comment: CHD5: BP4, BP7

Dr. Peter K. Rogan Lab, Western University
No classification provided (evidence only). Condition: Gastric cancer. Review status: no classification provided. Collection method: in vitro. Allele origin: not applicable. Functional consequence: retained intron. Not counted in ClinVar's aggregate classification.

NM_015557.3(CHD5):c.1695C>T (p.Ser565=)

Gene: CHD5 (chromodomain helicase DNA binding protein 5; minus strand). Cytogenetic location: 1p36.31.
Variant type: single nucleotide variant.
Coding change: c.1695C>T on transcript NM_015557.3 (MANE Select); coding-DNA position 1695, C replaced by T.
Protein change: p.Ser565=; no amino-acid change (serine 565 retained).
Molecular consequence: synonymous variant.
Genome position (GRCh38, 1-based): chr1:6,146,319, G>A on the plus strand (C>T on the coding strand, the complement: CHD5 is on the minus strand). VCF-style: chr1-6146319-G-A. GRCh37 (hg19) VCF-style: chr1-6206379-G-A.
Other names: NC_000001.10:g.6206379G>A.
Identifiers: ClinVar variation 4084334 (VCV004084334.9).